The following is an entry in ClinVar:

ClinVar aggregate classification (germline): Benign. Review status: criteria provided, multiple submitters, no conflicts (2 of 4 stars). 4 submissions from 3 submitters: Benign (3). 1 of the submissions does not count toward it. Last evaluated 2026-01-07.

Conditions:
Mandibuloacral dysplasia with type B lipodystrophy (MADB). Also called: LIPODYSTROPHY, TYPE B, ASSOCIATED WITH MANDIBULOACRAL DYSPLASIA. Identifiers: Orphanet 2457, Orphanet 90154, MedGen C1837756, MONDO:0012074, OMIM 608612.
Lethal tight skin contracture syndrome. Also called: FETAL HYPOKINESIA SEQUENCE DUE TO RESTRICTIVE DERMOPATHY; HYPERKERATOSIS-CONTRACTURE SYNDROME; Restrictive dermopathy; RESTRICTIVE DERMOPATHY, LETHAL. Identifiers: Orphanet 1662, MedGen C0406585, MONDO:0031213.

Allele frequency attached by ClinVar (database versions not stated): gnomAD 0.00508 and 0.00474; gnomAD exomes 0.00123; TOPMed 0.00502; ESP Exome Variant Server 0.00554; ExAC 0.00169; 1000 Genomes Project 0.00579; 1000 Genomes Project 30x 0.00640.
gnomAD v4.1: 1,430 of 1,613,796 alleles (0.089%); highest among the groups gnomAD compares: African/African-American, 1.6%; 9 homozygotes.

Submissions (4):

Labcorp Genetics (formerly Invitae), Labcorp
Classification: Benign. Last evaluated: 2026-01-07. Review status: criteria provided, single submitter. Criteria: Invitae Variant Classification Sherloc (09022015). Collection method: clinical testing. Allele origin: germline.

Illumina Laboratory Services, Illumina
Classification: Benign for Mandibuloacral dysplasia with type B lipodystrophy. Last evaluated: 2017-04-28. Review status: criteria provided, single submitter. Criteria: ICSL Variant Classification Criteria 13 December 2019. Collection method: clinical testing. Allele origin: germline.
Comment: This variant was observed as part of a predisposition screen in an ostensibly healthy population. A literature search was performed for the gene, cDNA change, and amino acid change (where applicable). No publications were found based on this search. Allele frequency data from public databases was too high to be consistent with this variant causing disease. Therefore, this variant is classified as benign.

Illumina Laboratory Services, Illumina
Classification: Benign for Restrictive dermopathy 1. Last evaluated: 2017-04-28. Review status: criteria provided, single submitter. Criteria: ICSL Variant Classification Criteria 13 December 2019. Collection method: clinical testing. Allele origin: germline.
Comment: This variant was observed as part of a predisposition screen in an ostensibly healthy population. A literature search was performed for the gene, cDNA change, and amino acid change (where applicable). Publications were found based on this search. The evidence from the literature, in combination with allele frequency data from public databases where available, was sufficient to rule this variant out of causing disease. Therefore, this variant is classified as benign.

ZMPSTE24 homepage - Leiden Muscular Dystrophy pages
No classification provided. Review status: no classification provided. Collection method: not provided. Allele origin: germline. Not counted in ClinVar's aggregate classification.
Comment: no known functional consequence

Literature cited by the submitters: PubMed 24169522 (cited by Illumina Laboratory Services, Illumina).

NM_005857.5(ZMPSTE24):c.990C>T (p.Leu330=)

Gene: ZMPSTE24 (zinc metallopeptidase STE24; plus strand). Cytogenetic location: 1p34.2.
Variant type: single nucleotide variant.
Coding change: c.990C>T on transcript NM_005857.5 (MANE Select); coding-DNA position 990, C replaced by T.
Protein change: p.Leu330=; no amino-acid change (leucine 330 retained).
Molecular consequence: synonymous variant.
Genome position (GRCh38, 1-based): chr1:40,285,960, C>T. VCF-style: chr1-40285960-C-T. GRCh37 (hg19) VCF-style: chr1-40751632-C-T.
Other names: c.990C>T (LRG_212t1).
Identifiers: ClinVar variation 140543 (VCV000140543.14), dbSNP rs116284141, ClinGen allele CA232771.